The following is an entry in ClinVar:

NM_001849.4(COL6A2):c.1672-177T>C

Gene: COL6A2 (collagen type VI alpha 2 chain; plus strand). Cytogenetic location: 21q22.3.
Variant type: single nucleotide variant.
Coding change: c.1672-177T>C on transcript NM_001849.4 (MANE Select); 177 bases into the intron before coding-DNA position 1672, T replaced by C.
Molecular consequence: intron variant.
Genome position (GRCh38, 1-based): chr21:46,124,474, T>C. VCF-style: chr21-46124474-T-C. GRCh37 (hg19) VCF-style: chr21-47544388-T-C.
Other names: c.1672-177T>C (NM_058175.3, NM_058174.3).
Identifiers: ClinVar variation 680241 (VCV000680241.1), dbSNP rs2839112, ClinGen allele CA14881780.

ClinVar aggregate classification (germline): Benign (1 of 4 stars; one submission).

Allele frequency attached by ClinVar (database versions not stated): gnomAD 0.14793 and 0.15113; 1000 Genomes Project 0.15635; TOPMed 0.15732; 1000 Genomes Project 30x 0.15959.
gnomAD v4.1: 22,395 of 152,070 alleles (15%); highest among the groups gnomAD compares: African/African-American, 32%; 2,497 homozygotes.

Submission:

GeneDx
Classification: Benign. Last evaluated: 2018-06-19. Review status: criteria provided, single submitter. Criteria: GeneDx Variant Classification (06012015). Collection method: clinical testing. Allele origin: germline. Affected: yes.
Comment: This variant is considered likely benign or benign based on one or more of the following criteria: it is a conservative change, it occurs at a poorly conserved position in the protein, it is predicted to be benign by multiple in silico algorithms, and/or has population frequency not consistent with disease.